The following is an entry in ClinVar:

NM_145865.3(ANKS4B):c.866A>T (p.Asp289Val)

Gene: ANKS4B (ankyrin repeat and sterile alpha motif domain containing 4B; plus strand). Cytogenetic location: 16p12.2.
Variant type: single nucleotide variant.
Coding change: c.866A>T on transcript NM_145865.3 (MANE Select); coding-DNA position 866, A replaced by T.
Protein change: p.Asp289Val; replaces aspartic acid 289 with valine.
Molecular consequence: missense variant.
Genome position (GRCh38, 1-based): chr16:21,250,432, A>T. VCF-style: chr16-21250432-A-T. GRCh37 (hg19) VCF-style: chr16-21261753-A-T.
Other names: short protein forms D289V.
Identifiers: ClinVar variation 2627000 (VCV002627000.1), dbSNP rs1444413840, ClinGen allele CA395057746.

ClinVar aggregate classification (germline): Uncertain significance (1 of 4 stars; one submission).

Submission:

Greenwood Genetic Center Diagnostic Laboratories, Greenwood Genetic Center
Classification: Uncertain significance. Last evaluated: 2023-07-25. Review status: criteria provided, single submitter. Criteria: ACMG Guidelines, 2015. Collection method: clinical testing. Allele origin: germline. Affected: yes.
Comment: Gene of Uncertain Significance